The following is an entry in ClinVar:

ClinVar aggregate classification (germline): Pathogenic. Review status: criteria provided, multiple submitters, no conflicts (2 of 4 stars). 2 submissions from 2 submitters: Pathogenic (2). Last evaluated 2024-03-03.

Conditions:
Familial X-linked hypophosphatemic vitamin D refractory rickets (XLHRD). Also called: Hypophosphatemia, vitamin D-resistant rickets; Vitamin D-resistant rickets, X-linked; X-Linked Hypophosphatemia; Hypophosphatemic Rickets, X-Linked Dominant; HYPOPHOSPHATEMIC VITAMIN D-RESISTANT RICKETS. Identifiers: Orphanet 89936, MedGen C0733682, MONDO:0010619, OMIM 307800.

Submissions (2):

Labcorp Genetics (formerly Invitae), Labcorp
Classification: Pathogenic. Last evaluated: 2024-03-03. Review status: criteria provided, single submitter. Criteria: Invitae Variant Classification Sherloc (09022015). Collection method: clinical testing. Allele origin: germline.
Comment: This sequence change creates a premature translational stop signal (p.Ala242Profs*19) in the PHEX gene. It is expected to result in an absent or disrupted protein product. Loss-of-function variants in PHEX are known to be pathogenic (PMID: 9097956, 9106524, 19219621). This variant is not present in population databases (gnomAD no frequency). This variant has not been reported in the literature in individuals affected with PHEX-related conditions. ClinVar contains an entry for this variant (Variation ID: 934768). For these reasons, this variant has been classified as Pathogenic.

Women's Health and Genetics/Laboratory Corporation of America, LabCorp
Classification: Pathogenic for Familial X-linked hypophosphatemic vitamin D refractory rickets. Last evaluated: 2024-02-09. Review status: criteria provided, single submitter. Criteria: LabCorp Variant Classification Summary - May 2015. Collection method: clinical testing. Allele origin: germline.
Comment: Variant summary: PHEX c.724delG (p.Ala242ProfsX19) results in a premature termination codon, predicted to cause a truncation of the encoded protein or absence of the protein due to nonsense mediated decay, which are commonly known mechanisms for disease. The variant was absent in 182867 control chromosomes. c.724delG has been reported in the literature in at least two individuals suspected of genetic hypophosphatemia (e.g. Rush_2022). To our knowledge, no experimental evidence demonstrating an impact on protein function has been reported. The following publication has been ascertained in the context of this evaluation (PMID: 34633109). ClinVar contains an entry for this variant (Variation ID: 934768). Based on the evidence outlined above, the variant was classified as pathogenic.

Literature cited by the submitters: PubMed 9097956 (cited by Labcorp Genetics (formerly Invitae), Labcorp); PubMed 9106524 (cited by Labcorp Genetics (formerly Invitae), Labcorp); PubMed 19219621 (cited by Labcorp Genetics (formerly Invitae), Labcorp); PubMed 34633109 (cited by Women's Health and Genetics/Laboratory Corporation of America, LabCorp).

NM_000444.6(PHEX):c.724del (p.Ala242fs)

Gene: PHEX (phosphate regulating endopeptidase X-linked; plus strand). Cytogenetic location: Xp22.11.
Variant type: Deletion.
Coding change: c.724del on transcript NM_000444.6 (MANE Select); coding-DNA position 724, one base deleted (G; older notation c.724delG).
Protein change: p.Ala242fs; shifts the reading frame from alanine 242.
Molecular consequence: frameshift variant.
Genome position (GRCh38, 1-based): chrX:22,090,489, G deleted. VCF-style (leftmost placement, unchanged base first): chrX-22090488-AG-A. GRCh37 (hg19) VCF-style: chrX-22108606-AG-A.
Other names: c.724delG (NM_000444.6); c.724del, p.Ala242fs (NM_001282754.2); short protein forms A242fs.
Identifiers: ClinVar variation 934768 (VCV000934768.9), dbSNP rs1929832980, ClinGen allele CA1139667286.